The following is an entry in ClinVar:

ClinVar aggregate classification (germline): Uncertain significance (1 of 4 stars; one submission).

Conditions:
Inborn genetic diseases. Identifiers: MedGen C0950123, MeSH D030342.

gnomAD v4.1: 3 of 1,524,606 alleles (0.0002%); highest among the groups gnomAD compares: South Asian, 0.0036%; no homozygotes.

Submission:

Ambry Genetics
Classification: Uncertain significance for Inborn genetic diseases. Last evaluated: 2024-12-28. Review status: criteria provided, single submitter. Criteria: Ambry Variant Classification Scheme 2023. Collection method: clinical testing. Allele origin: germline.
Comment: The p.P1111T variant (also known as c.3331C>A), located in coding exon 24 of the LTBP3 gene, results from a C to A substitution at nucleotide position 3331. The proline at codon 1111 is replaced by threonine, an amino acid with highly similar properties. This amino acid position is conserved. In addition, the in silico prediction for this alteration is inconclusive. Based on the available evidence, the clinical significance of this variant remains unclear.

NM_001130144.3(LTBP3):c.3331C>A (p.Pro1111Thr)

Genes: LTBP3 (latent transforming growth factor beta binding protein 3; minus strand), LOC130006027 (ATAC-STARR-seq lymphoblastoid silent region 3530; plus strand). Cytogenetic location: 11q13.1.
Variant type: single nucleotide variant.
Coding change: c.3331C>A on transcript NM_001130144.3 (MANE Select); coding-DNA position 3331, C replaced by A.
Protein change: p.Pro1111Thr; replaces proline 1111 with threonine.
Molecular consequence: missense variant. On other transcripts: intron variant (2).
Genome position (GRCh38, 1-based): chr11:65,540,067, G>T on the plus strand (C>A on the coding strand, the complement: LTBP3 is on the minus strand). VCF-style: chr11-65540067-G-T. GRCh37 (hg19) VCF-style: chr11-65307538-G-T.
Other names: c.2893+178C>A (NM_001164266.1); c.3244+178C>A (NM_021070.4); short protein forms P1111T.
Identifiers: ClinVar variation 3868968 (VCV003868968.1).